The following is an entry in ClinVar:

NM_000426.4(LAMA2):c.3435T>A (p.Cys1145Ter)

Gene: LAMA2 (laminin subunit alpha 2; plus strand). Cytogenetic location: 6q22.33.
Variant type: single nucleotide variant.
Coding change: c.3435T>A on transcript NM_000426.4 (MANE Select); coding-DNA position 3435, T replaced by A.
Protein change: p.Cys1145Ter; replaces cysteine 1145 with a stop codon.
Molecular consequence: nonsense.
Genome position (GRCh38, 1-based): chr6:129,314,678, T>A. VCF-style: chr6-129314678-T-A. GRCh37 (hg19) VCF-style: chr6-129635823-T-A.
Other names: c.3435T>A, p.Cys1145Ter (NM_001079823.2); short protein forms C1145*.
Identifiers: ClinVar variation 5014818 (VCV005014818.1).

ClinVar aggregate classification (germline): Pathogenic (1 of 4 stars; one submission).

Conditions:
LAMA2-related muscular dystrophy (LAMA2-RD). Also called: Laminin alpha 2-related dystrophy. Identifiers: MedGen C5679788, MONDO:0100228.

Submission:

Myriad Genetics, Inc.
Classification: Pathogenic for LAMA2-related muscular dystrophy. Last evaluated: 2025-08-05. Review status: criteria provided, single submitter. Criteria: Myriad Autosomal Dominant, Autosomal Recessive and X-Linked Classification Criteria (2023). Collection method: clinical testing. Allele origin: unknown.
Comment: NM_000426.3(LAMA2):c.3435T>A(C1145*) is expected to be pathogenic in the context of muscular dystrophy, LAMA2-related. This variant is predicted to lead to an abnormal or absent protein product due to the creation of a premature termination codon in LAMA2, a gene where loss-of-function variants are known to be pathogenic. Please note: this variant was assessed in the context of healthy population screening.